The following is an entry in ClinVar:

ClinVar aggregate classification (germline): Pathogenic (1 of 4 stars; one submission).

Submission:

Quest Diagnostics Nichols Institute San Juan Capistrano
Classification: Pathogenic. Last evaluated: 2021-06-29. Review status: criteria provided, single submitter. Criteria: ACMG/ClinGen CNV Guidelines, 2019. Collection method: clinical testing. Allele origin: unknown.
Comment: The copy number gain of 15q21.1q22.2 involves multiple protein-coding genes and is expected to cause phenotypic and/or developmental abnormalities. It includes 12 genes associated with autosomal dominant disorders, notably FBN1 (OMIM 134797), TCF12 (OMIM 600480), and CYP19A1 (OMIM 107910). Haploinsufficiency of FBN1 causes Marfan syndrome (MFS; OMIM 154700) and its allelic disorders (OMIM 102370, 129600, 614185, 616914, 604308, 184900, 608328), which display variable manifestations in the cardiovascular, ocular, and skeletal systems. However, triplosensitivity of these genes is not associated with a clinical phenotype. Further, simple or complex rearrangements resulting in overexpression of CYP19A1 are associated with aromatase excess syndrome (OMIM 139300), a rare autosomal dominant disorder that causes prepubertal- or peripubertal-onset gynecomastia, hypogonadotropic hypogonadism, advanced bone age, and short adult height in male patients. Female patients are usually asymptomatic, although macromastia, irregular menses, and short stature have been reported in a few individuals (Fukami et al. J Clin Endocrinol Metab. 2013 Dec;98(12):E2013-21. PMID: 24064691). Moreover, a de novo 1.6 Mb duplication of 15q21.3q22.2 containing CCNB2 (OMIM 602755), LIPC (OMIM 151670), SLTM, LIPCAS1, AQP9 (OMIM 602914), ADAM10 (OMIM 602192), MYZAP (OMIM 614071), MINDY2 (OMIM 618408), POLR2M (OMIM 606485), RNF111 (OMIM 605840), and ALDH1A2 (OMIM 603687), all of which are encompassed in the current gain interval, was identified in an individual with atypical neurocognitive development (D'Abate et al., Nat Commun. 2019 Dec 5;10(1):5519. PMID: 31801954). Based on the duplication size, gene content, and the available literature and databases, the clinical significance of this deletion is pathogenic in this patient.

GRCh37/hg19 15q21.1-22.2(chr15:48589845-63543438)x3

Genes: ADAM10 (ADAM metallopeptidase domain 10; minus strand), ALDH1A2 (aldehyde dehydrogenase 1 family member A2; minus strand), ANXA2 (annexin A2; minus strand), AP4E1 (adaptor related protein complex 4 subunit epsilon 1; plus strand), AQP9 (aquaporin 9; plus strand) and 78 more. Cytogenetic location: 15q21.1-22.2.
Variant type: copy number gain.
Change: copy number 3 (three copies instead of two) of chr15:48,589,845-63,543,438 (14.95 Mb, GRCh37 coordinates, 1-based), cytogenetic band 15q21.1-22.2.
Identifiers: ClinVar variation 1807706 (VCV001807706.1).